The following is an entry in ClinVar:

ClinVar aggregate classification (germline): Uncertain significance (1 of 4 stars; one submission).

Conditions:
Gastrointestinal stromal tumor. Also called: Gastrointestinal stromal tumor, somatic; Gastrointestinal stroma tumor. Identifiers: Orphanet 44890, MedGen C0238198, MeSH D046152, MONDO:0011719, OMIM 606764, HP:0100723.

Submission:

Labcorp Genetics (formerly Invitae), Labcorp
Classification: Uncertain significance for Gastrointestinal stromal tumor. Last evaluated: 2024-05-05. Review status: criteria provided, single submitter. Criteria: Invitae Variant Classification Sherloc (09022015). Collection method: clinical testing. Allele origin: germline.
Comment: This sequence change falls in intron 19 of the PDGFRA gene. It does not directly change the encoded amino acid sequence of the PDGFRA protein. It affects a nucleotide within the consensus splice site. This variant is not present in population databases (gnomAD no frequency). This variant has not been reported in the literature in individuals affected with PDGFRA-related conditions. ClinVar contains an entry for this variant (Variation ID: 1946010). Variants that disrupt the consensus splice site are a relatively common cause of aberrant splicing (PMID: 17576681, 9536098). Algorithms developed to predict the effect of sequence changes on RNA splicing suggest that this variant may disrupt the consensus splice site. In summary, the available evidence is currently insufficient to determine the role of this variant in disease. Therefore, it has been classified as a Variant of Uncertain Significance.

Literature cited by the submitters: PubMed 17576681; PubMed 9536098.

NM_006206.6(PDGFRA):c.2674+5G>A

Gene: PDGFRA (platelet derived growth factor receptor alpha; plus strand). Cytogenetic location: 4q12.
Variant type: single nucleotide variant.
Coding change: c.2674+5G>A on transcript NM_006206.6 (MANE Select); 5 bases into the intron after coding-DNA position 2674, G replaced by A.
Molecular consequence: intron variant.
Genome position (GRCh38, 1-based): chr4:54,287,546, G>A. VCF-style: chr4-54287546-G-A. GRCh37 (hg19) VCF-style: chr4-55153713-G-A.
Other names: c.2749+5G>A (NM_001347828.2); c.2674+5G>A (NM_001347829.2); c.2713+5G>A (NM_001347830.2).
Identifiers: ClinVar variation 1946010 (VCV001946010.5), dbSNP rs1553906278, ClinGen allele CA2580071137.